The following is an entry in ClinVar:

NM_000384.3(APOB):c.10307T>C (p.Leu3436Ser)

Gene: APOB (apolipoprotein B; minus strand). Cytogenetic location: 2p24.1.
Variant type: single nucleotide variant.
Coding change: c.10307T>C on transcript NM_000384.3 (MANE Select); coding-DNA position 10307, T replaced by C.
Protein change: p.Leu3436Ser; replaces leucine 3436 with serine.
Molecular consequence: missense variant.
Genome position (GRCh38, 1-based): chr2:21,006,561, A>G on the plus strand (T>C on the coding strand, the complement: APOB is on the minus strand). VCF-style: chr2-21006561-A-G. GRCh37 (hg19) VCF-style: chr2-21229433-A-G.
Other names: short protein forms L3436S.
Identifiers: ClinVar variation 4537820 (VCV004537820.1).
Genomic context (GRCh38, chr2:21,006,561, plus strand): 5'-GAAGAGACAGTAGGTTTTGACTTGGTATTTCCATTAAGTTCTTGCTTGAAATTCATTCTC[A>G]AAATTGGAATTTGGGCTTTTGTGGTTGTTGCCACTGACACTTCCATATTTTTCGTGGTTA-3'
Protein context (NP_000375.3, residues 3426-3446): ATTTKAQIPI[Leu3436Ser]RMNFKQELNG

ClinVar aggregate classification (germline): Uncertain significance (1 of 4 stars; one submission).

Submission:

GeneDx
Classification: Uncertain significance. Last evaluated: 2025-06-14. Review status: criteria provided, single submitter. Criteria: GeneDx Variant Classification Process June 2021. Collection method: clinical testing. Allele origin: germline. Affected: yes.
Comment: Not observed at significant frequency in large population cohorts (gnomAD); In silico analysis supports that this missense variant has a deleterious effect on protein structure/function; Has not been previously published as pathogenic or benign to our knowledge